The following is an entry in ClinVar:

ClinVar aggregate classification (germline): Uncertain significance. Review status: criteria provided, multiple submitters, no conflicts (2 of 4 stars). 2 submissions from 2 submitters: Uncertain significance (2). Last evaluated 2024-12-09.

Conditions:
Carnitine palmitoyl transferase 1A deficiency. Also called: Carnitine palmitoyltransferase type I deficiency; CPT deficiency, hepatic, type IA; Carnitine palmitoyltransferase 1A deficiency; CPT I DEFICIENCY; CPT DEFICIENCY, HEPATIC, TYPE I. Identifiers: Orphanet 156, MedGen C1829703, MONDO:0009705, OMIM 255120.
Inborn genetic diseases. Identifiers: MedGen C0950123, MeSH D030342.

Allele frequency attached by ClinVar (database versions not stated): ExAC 0.00001; gnomAD 0.00001; gnomAD exomes 0.00002; TOPMed 0.00002.
gnomAD v4.1: 35 of 1,608,884 alleles (0.0022%); highest among the groups gnomAD compares: South Asian, 0.0033%; no homozygotes.

Submissions (2):

Ambry Genetics
Classification: Uncertain significance for Inborn genetic diseases. Last evaluated: 2024-12-09. Review status: criteria provided, single submitter. Criteria: Ambry Variant Classification Scheme 2023. Collection method: clinical testing. Allele origin: germline.

Labcorp Genetics (formerly Invitae), Labcorp
Classification: Uncertain significance for Carnitine palmitoyl transferase 1A deficiency. Last evaluated: 2022-08-20. Review status: criteria provided, single submitter. Criteria: Invitae Variant Classification Sherloc (09022015). Collection method: clinical testing. Allele origin: germline.
Comment: This sequence change replaces arginine, which is basic and polar, with histidine, which is basic and polar, at codon 295 of the CPT1A protein (p.Arg295His). This variant is present in population databases (rs756644326, gnomAD 0.009%). This variant has not been reported in the literature in individuals affected with CPT1A-related conditions. Algorithms developed to predict the effect of missense changes on protein structure and function (SIFT, PolyPhen-2, Align-GVGD) all suggest that this variant is likely to be tolerated. In summary, the available evidence is currently insufficient to determine the role of this variant in disease. Therefore, it has been classified as a Variant of Uncertain Significance.

NM_001876.4(CPT1A):c.884G>A (p.Arg295His)

Gene: CPT1A (carnitine palmitoyltransferase 1A; minus strand). Cytogenetic location: 11q13.3.
Variant type: single nucleotide variant.
Coding change: c.884G>A on transcript NM_001876.4 (MANE Select); coding-DNA position 884, G replaced by A.
Protein change: p.Arg295His; replaces arginine 295 with histidine.
Molecular consequence: missense variant.
Genome position (GRCh38, 1-based): chr11:68,793,398, C>T on the plus strand (G>A on the coding strand, the complement: CPT1A is on the minus strand). VCF-style: chr11-68793398-C-T. GRCh37 (hg19) VCF-style: chr11-68560866-C-T.
Other names: c.884G>A (NM_001876.3); c.884G>A, p.Arg295His (NM_001031847.3); short protein forms R295H.
Identifiers: ClinVar variation 2152894 (VCV002152894.2), dbSNP rs756644326, ClinGen allele CA6152489.